The following is an entry in ClinVar:

NM_002225.5(IVD):c.463A>G (p.Ser155Gly)

Gene: IVD (isovaleryl-CoA dehydrogenase; plus strand). Cytogenetic location: 15q15.1.
Variant type: single nucleotide variant.
Coding change: c.463A>G on transcript NM_002225.5 (MANE Select); coding-DNA position 463, A replaced by G.
Protein change: p.Ser155Gly; replaces serine 155 with glycine.
Molecular consequence: missense variant. On other transcripts: non-coding transcript variant (1).
Genome position (GRCh38, 1-based): chr15:40,411,266, A>G. VCF-style: chr15-40411266-A-G. GRCh37 (hg19) VCF-style: chr15-40703465-A-G.
Other names: c.373A>G, p.Ser125Gly (NM_001159508.3); c.415A>G, p.Ser139Gly (NM_001354597.3); c.463A>G, p.Ser155Gly (NM_001354598.3, NM_001354601.3); c.550A>G, p.Ser184Gly (NM_001354599.3, NM_001354600.3); short protein forms S125G, S139G, S155G, S184G.
Identifiers: ClinVar variation 4525933 (VCV004525933.1).
Genomic context (GRCh38, chr15:40,411,266, plus strand): 5'-TGCTCTAGGGTACTCTGAGGTTGTAACAAGGCCTGTTGGGGGTTTTCCTTGCAGCTGATC[A>G]GTGGTGAGTACATCGGAGCCCTGGCCATGAGTGAGCCCAATGCAGGCTCTGATGTTGTCT-3'
Protein context (NP_002216.3, residues 145-165): QKEKYLPKLI[Ser155Gly]GEYIGALAMS

ClinVar aggregate classification (germline): Uncertain significance (1 of 4 stars; one submission).

gnomAD v4.1: 1 of 1,614,186 alleles (0.000062%); highest among the groups gnomAD compares: East Asian, 0.0022%; no homozygotes.

Submission:

Women's Health and Genetics/Laboratory Corporation of America, LabCorp
Classification: Uncertain significance. Last evaluated: 2025-07-14. Review status: criteria provided, single submitter. Criteria: LabCorp Variant Classification Summary - May 2015. Collection method: clinical testing. Allele origin: germline.
Comment: Variant summary: IVD c.463A>G (p.Ser155Gly) results in a non-conservative amino acid change in the encoded protein sequence. Algorithms developed to predict the effect of missense changes on protein structure and function all suggest that this variant is likely to be disruptive. The variant was absent in 251494 control chromosomes. The available data on variant occurrences in the general population are insufficient to allow any conclusion about variant significance. c.463A>G has been observed in a compound heterozygous individual affected with Isovaleryl-CoA Dehydrogenase Deficiency (Huang_2024). These data do not allow any conclusion about variant significance. To our knowledge, no experimental evidence demonstrating an impact on protein function has been reported. The following publication have been ascertained in the context of this evaluation (PMID: 38978874). No submitters have cited clinical-significance assessments for this variant to ClinVar. Based on the evidence outlined above, the variant was classified as uncertain significance.

Literature cited by the submitters: PubMed 38978874.